The following is an entry in ClinVar:

ClinVar aggregate classification (germline): Benign/Likely benign. Review status: criteria provided, multiple submitters, no conflicts (2 of 4 stars). 2 submissions from 2 submitters: Benign (1); Likely benign (1). Last evaluated 2025-03-31.

Conditions:
Peutz-Jeghers syndrome (PJS). Also called: POLYPOSIS, HAMARTOMATOUS INTESTINAL; POLYPS-AND-SPOTS SYNDROME; Peutz-Jeghers polyposis; Periorificial lentiginosis syndrome. Identifiers: Orphanet 2869, MedGen C0031269, MeSH D010580, MONDO:0008280, OMIM 175200.

Allele frequency attached by ClinVar (database versions not stated): gnomAD exomes below 0.00001.
gnomAD v4.1: 2 of 1,548,802 alleles (0.00013%); highest among the groups gnomAD compares: South Asian, 0.0024%; no homozygotes.

Submissions (2):

Myriad Genetics, Inc.
Classification: Benign for Peutz-Jeghers syndrome. Last evaluated: 2025-03-31. Review status: criteria provided, single submitter. Criteria: Myriad Autosomal Dominant, Autosomal Recessive and X-Linked Classification Criteria (2023). Collection method: clinical testing. Allele origin: unknown.
Comment: This variant is considered benign. This variant is a silent/synonymous amino acid change and it is not expected to impact splicing.

Labcorp Genetics (formerly Invitae), Labcorp
Classification: Likely benign for Peutz-Jeghers syndrome. Last evaluated: 2021-02-17. Review status: criteria provided, single submitter. Criteria: Invitae Variant Classification Sherloc (09022015). Collection method: clinical testing. Allele origin: germline.

NM_000455.5(STK11):c.1275C>T (p.Arg425=)

Gene: STK11 (serine/threonine kinase 11; plus strand). Cytogenetic location: 19p13.3.
Variant type: single nucleotide variant.
Coding change: c.1275C>T on transcript NM_000455.5 (MANE Select); coding-DNA position 1275, C replaced by T.
Protein change: p.Arg425=; no amino-acid change (arginine 425 retained).
Molecular consequence: synonymous variant.
Genome position (GRCh38, 1-based): chr19:1,226,620, C>T. VCF-style: chr19-1226620-C-T. GRCh37 (hg19) VCF-style: chr19-1226619-C-T.
Identifiers: ClinVar variation 1451892 (VCV001451892.9), dbSNP rs2145436556, ClinGen allele CA504708551.